The following is an entry in ClinVar:

NM_001358921.2(COQ2):c.165G>C (p.Gln55His)

Genes: COQ2 (coenzyme Q2, polyprenyltransferase; minus strand), LOC112997540 (Sharpr-MPRA regulatory region 13773; plus strand). Cytogenetic location: 4q21.23.
Variant type: single nucleotide variant.
Coding change: c.165G>C on transcript NM_001358921.2 (MANE Select); coding-DNA position 165, G replaced by C.
Protein change: p.Gln55His; replaces glutamine 55 with histidine.
Molecular consequence: missense variant.
Genome position (GRCh38, 1-based): chr4:83,284,600, C>G on the plus strand (G>C on the coding strand, the complement: COQ2 is on the minus strand). VCF-style: chr4-83284600-C-G. GRCh37 (hg19) VCF-style: chr4-84205753-C-G.
Other names: c.315G>C, p.Gln105His (NM_015697.9); c.315G>C (NM_015697.8); short protein forms Q105H, Q55H.
Identifiers: ClinVar variation 1698040 (VCV001698040.10), dbSNP rs747231025, ClinGen allele CA2988670.

ClinVar aggregate classification (germline): Uncertain significance. Review status: criteria provided, multiple submitters, no conflicts (2 of 4 stars). 5 submissions from 5 submitters: Uncertain significance (5). Last evaluated 2025-12-29.

Conditions:
Multiple system atrophy 1, susceptibility to. Also called: MSA1, SUSCEPTIBILITY TO. Identifiers: MedGen C3714927, MONDO:0020715, OMIM 146500.
Coenzyme Q10 deficiency, primary, 1. Also called: UBIQUINONE DEFICIENCY 1; COENZYME Q DEFICIENCY 1; CoQ DEFICIENCY 1. Identifiers: Orphanet 255249, MedGen C3551954, MONDO:0011829, OMIM 607426.

Allele frequency attached by ClinVar (database versions not stated): gnomAD 0.00001; gnomAD exomes 0.00010; ExAC 0.00049.
gnomAD v4.1: 35 of 1,537,120 alleles (0.0023%); highest among the groups gnomAD compares: African/African-American, 0.0014%; no homozygotes.

Submissions (5):

Labcorp Genetics (formerly Invitae), Labcorp
Classification: Uncertain significance. Last evaluated: 2025-12-29. Review status: criteria provided, single submitter. Criteria: Invitae Variant Classification Sherloc (09022015). Collection method: clinical testing. Allele origin: germline.
Comment: This sequence change replaces glutamine, which is neutral and polar, with histidine, which is basic and polar, at codon 105 of the COQ2 protein (p.Gln105His). This variant is present in population databases (rs747231025, gnomAD 0.2%). This variant has not been reported in the literature in individuals affected with COQ2-related conditions. ClinVar contains an entry for this variant (Variation ID: 1698040). An algorithm developed to predict the effect of missense changes on protein structure and function outputs the following: PolyPhen-2: "Benign". The histidine amino acid residue is found in multiple mammalian species, which suggests that this missense change does not adversely affect protein function. In summary, the available evidence is currently insufficient to determine the role of this variant in disease. Therefore, it has been classified as a Variant of Uncertain Significance.

Baylor Genetics
Classification: Uncertain significance for Multiple system atrophy 1, susceptibility to. Last evaluated: 2024-02-23. Review status: criteria provided, single submitter. Criteria: ACMG Guidelines, 2015. Collection method: clinical testing. Allele origin: unknown.

Fulgent Genetics
Classification: Uncertain significance for Multiple system atrophy 1, susceptibility to; Coenzyme Q10 deficiency, primary, 1. Last evaluated: 2022-05-17. Review status: criteria provided, single submitter. Criteria: ACMG Guidelines, 2015. Collection method: clinical testing. Allele origin: unknown.

GeneDx
Classification: Uncertain significance. Last evaluated: 2022-01-25. Review status: criteria provided, single submitter. Criteria: GeneDx Variant Classification Process June 2021. Collection method: clinical testing. Allele origin: germline. Affected: yes.
Comment: Has not been previously published as pathogenic or benign to our knowledge; In silico analysis supports that this missense variant does not alter protein structure/function

Blueprint Genetics
Classification: Uncertain significance. Last evaluated: 2018-10-07. Review status: criteria provided, single submitter. Criteria: ACMG Guidelines, 2015. Collection method: clinical testing. Allele origin: germline.